The following is an entry in ClinVar:

ClinVar aggregate classification (germline): Uncertain significance. Review status: criteria provided, multiple submitters, no conflicts (2 of 4 stars). 2 submissions from 2 submitters: Uncertain significance (2). Last evaluated 2025-08-11.

Conditions:
Spastic paraplegia. Identifiers: MedGen C0037772, HP:0001258.
Inborn genetic diseases. Identifiers: MedGen C0950123, MeSH D030342.

Allele frequency attached by ClinVar (database versions not stated): ExAC 0.00001; TOPMed 0.00001; gnomAD 0.00002.
gnomAD v4.1: 3 of 1,614,052 alleles (0.00019%); highest among the groups gnomAD compares: African/African-American, 0.004%; no homozygotes.

Submissions (2):

Ambry Genetics
Classification: Uncertain significance for Inborn genetic diseases. Last evaluated: 2025-08-11. Review status: criteria provided, single submitter. Criteria: Ambry Variant Classification Scheme 2023. Collection method: clinical testing. Allele origin: germline.

Labcorp Genetics (formerly Invitae), Labcorp
Classification: Uncertain significance for Spastic paraplegia. Last evaluated: 2022-06-14. Review status: criteria provided, single submitter. Criteria: Invitae Variant Classification Sherloc (09022015). Collection method: clinical testing. Allele origin: germline.
Comment: This sequence change replaces glutamine, which is neutral and polar, with arginine, which is basic and polar, at codon 1092 of the ZFYVE26 protein (p.Gln1092Arg). The frequency data for this variant in the population databases is considered unreliable, as metrics indicate poor data quality at this position in the gnomAD database. This variant has not been reported in the literature in individuals affected with ZFYVE26-related conditions. Algorithms developed to predict the effect of missense changes on protein structure and function are either unavailable or do not agree on the potential impact of this missense change (SIFT: "Tolerated"; PolyPhen-2: "Possibly Damaging"; Align-GVGD: "Class C0"). In summary, the available evidence is currently insufficient to determine the role of this variant in disease. Therefore, it has been classified as a Variant of Uncertain Significance.

NM_015346.4(ZFYVE26):c.3275A>G (p.Gln1092Arg)

Gene: ZFYVE26 (zinc finger FYVE-type containing 26; minus strand). Cytogenetic location: 14q24.1.
Variant type: single nucleotide variant.
Coding change: c.3275A>G on transcript NM_015346.4 (MANE Select); coding-DNA position 3275, A replaced by G.
Protein change: p.Gln1092Arg; replaces glutamine 1092 with arginine.
Molecular consequence: missense variant.
Genome position (GRCh38, 1-based): chr14:67,785,887, T>C on the plus strand (A>G on the coding strand, the complement: ZFYVE26 is on the minus strand). VCF-style: chr14-67785887-T-C. GRCh37 (hg19) VCF-style: chr14-68252604-T-C.
Other names: c.3275A>G (NM_015346.3); short protein forms Q1092R.
Identifiers: ClinVar variation 2160627 (VCV002160627.2), dbSNP rs757708735, ClinGen allele CA7240038.